The following is an entry in ClinVar:

ClinVar aggregate classification (germline): Conflicting classifications of pathogenicity. Review status: criteria provided, conflicting classifications (1 of 4 stars). 3 submissions from 3 submitters: Pathogenic (1); Uncertain significance (1); Likely benign (1). Last evaluated 2025-11-25.

Conditions:
KIF5A-related disorder. Also called: KIF5A-related disorders; KIF5A-related condition.
Spastic paraplegia. Identifiers: MedGen C0037772, HP:0001258.
Hereditary spastic paraplegia 10 (SPG10). Also called: SPASTIC PARAPLEGIA 10 WITH PERIPHERAL NEUROPATHY; SPASTIC PARAPLEGIA 10, AUTOSOMAL DOMINANT; SPASTIC PARAPLEGIA 10 WITH OR WITHOUT PERIPHERAL NEUROPATHY. Identifiers: Orphanet 100991, MedGen C1858712, MONDO:0011408, OMIM 604187.

Allele frequency attached by ClinVar (database versions not stated): ExAC 0.00001; gnomAD exomes 0.00002 and 0.00003; TOPMed 0.00003; gnomAD 0.00005; 1000 Genomes Project 0.00020; 1000 Genomes Project 30x 0.00031.
gnomAD v4.1: 53 of 1,614,018 alleles (0.0033%); highest among the groups gnomAD compares: East Asian, 0.022%; no homozygotes.

Submissions (3):

Labcorp Genetics (formerly Invitae), Labcorp
Classification: Likely benign for Spastic paraplegia. Last evaluated: 2025-11-25. Review status: criteria provided, single submitter. Criteria: Invitae Variant Classification Sherloc (09022015). Collection method: clinical testing. Allele origin: germline.

PreventionGenetics, part of Exact Sciences
Classification: Uncertain significance for KIF5A-related condition. Last evaluated: 2025-11-10. Review status: criteria provided, single submitter. Criteria: ACMG Guidelines, 2015. Collection method: clinical testing. Allele origin: germline.
Comment: The KIF5A c.2147G>A variant is predicted to result in the amino acid substitution p.Arg716Gln. This variant has been reported in two individuals with amyotrophic lateral sclerosis (ALS) (Nakamura et al. 2021. PubMed ID: 32888732), in an individual with hereditary spastic paraplegia (HSP) (Table S2, Méreaux et al. 2022. PubMed ID: 34983064), and in an individual with clinical features suggestive of a mitochondrial disease (Table S2, Nogueira et al. 2024. PubMed ID: 38465286). Statistical evidence in gnomAD suggests the KIF5A gene is intolerant of missense variation. This variant is reported in 0.0085% of alleles in individuals of Latino descent in gnomAD. It has conflicting classifications listed in ClinVar ranging from likely benign to pathogenic (ClinVar ID: 969427). An alternate missense change at the same amino acid position (p.Arg716Trp) has been reported in an individual with spastic paraplegia; however, variant's role in pathogenicity was uncertain (Iqbal et al. 2017. PubMed ID: 28362824). At this time, the clinical significance of this variant is uncertain due to the absence of conclusive functional and genetic evidence.

Paris Brain Institute, Inserm - ICM
Classification: Pathogenic for Hereditary spastic paraplegia 10. Review status: criteria provided, single submitter. Criteria: ACMG Guidelines, 2015. Collection method: clinical testing. Allele origin: unknown. Affected: yes. Observed: 1 variant allele.

NM_004984.4(KIF5A):c.2147G>A (p.Arg716Gln)

Gene: KIF5A (kinesin family member 5A; plus strand). Cytogenetic location: 12q13.3.
Variant type: single nucleotide variant.
Coding change: c.2147G>A on transcript NM_004984.4 (MANE Select); coding-DNA position 2147, G replaced by A.
Protein change: p.Arg716Gln; replaces arginine 716 with glutamine.
Molecular consequence: missense variant.
Genome position (GRCh38, 1-based): chr12:57,576,327, G>A. VCF-style: chr12-57576327-G-A. GRCh37 (hg19) VCF-style: chr12-57970110-G-A.
Other names: c.1880G>A, p.Arg627Gln (NM_001354705.2); short protein forms R627Q, R716Q.
Identifiers: ClinVar variation 969427 (VCV000969427.12), dbSNP rs554894381, ClinGen allele CA6653018.